The following is an entry in ClinVar:

ClinVar aggregate classification (germline): Uncertain significance (1 of 4 stars; one submission).

Conditions:
Inborn genetic diseases. Identifiers: MedGen C0950123, MeSH D030342.

Submission:

Ambry Genetics
Classification: Uncertain significance for Inborn genetic diseases. Last evaluated: 2023-04-26. Review status: criteria provided, single submitter. Criteria: Ambry Variant Classification Scheme 2023. Collection method: clinical testing. Allele origin: germline.
Comment: The p.D734G variant (also known as c.2201A>G), located in coding exon 18 of the LRRK2 gene, results from an A to G substitution at nucleotide position 2201. The aspartic acid at codon 734 is replaced by glycine, an amino acid with similar properties. This amino acid position is conserved. In addition, this alteration is predicted to be deleterious by in silico analysis. Since supporting evidence is limited at this time, the clinical significance of this alteration remains unclear.

NM_198578.4(LRRK2):c.2201A>G (p.Asp734Gly)

Gene: LRRK2 (leucine rich repeat kinase 2; plus strand). Cytogenetic location: 12q12.
Variant type: single nucleotide variant.
Coding change: c.2201A>G on transcript NM_198578.4 (MANE Select); coding-DNA position 2201, A replaced by G.
Protein change: p.Asp734Gly; replaces aspartic acid 734 with glycine.
Molecular consequence: missense variant.
Genome position (GRCh38, 1-based): chr12:40,278,221, A>G. VCF-style: chr12-40278221-A-G. GRCh37 (hg19) VCF-style: chr12-40672023-A-G.
Other names: short protein forms D734G.
Identifiers: ClinVar variation 2562424 (VCV002562424.2), dbSNP rs2499639294, ClinGen allele CA384405247.